The following is an entry in ClinVar:

NM_015340.4(LARS2):c.256G>A (p.Val86Met)

Gene: LARS2 (leucyl-tRNA synthetase 2, mitochondrial; plus strand). Cytogenetic location: 3p21.31.
Variant type: single nucleotide variant.
Coding change: c.256G>A on transcript NM_015340.4 (MANE Select); coding-DNA position 256, G replaced by A.
Protein change: p.Val86Met; replaces valine 86 with methionine.
Molecular consequence: missense variant.
Genome position (GRCh38, 1-based): chr3:45,400,266, G>A. VCF-style: chr3-45400266-G-A. GRCh37 (hg19) VCF-style: chr3-45441758-G-A.
Other names: c.256G>A, p.Val86Met (NM_001368263.1); c.256G>A (NM_015340.3); short protein forms V86M.
Identifiers: ClinVar variation 1414233 (VCV001414233.4), dbSNP rs140589843, ClinGen allele CA2349248.

ClinVar aggregate classification (germline): Uncertain significance. Review status: criteria provided, multiple submitters, no conflicts (2 of 4 stars). 2 submissions from 2 submitters: Uncertain significance (2). Last evaluated 2022-01-15.

Conditions:
Inborn genetic diseases. Identifiers: MedGen C0950123, MeSH D030342.

Allele frequency attached by ClinVar (database versions not stated): gnomAD 0.00001; TOPMed 0.00002; ESP Exome Variant Server 0.00008.
gnomAD v4.1: 12 of 1,612,138 alleles (0.00074%); highest among the groups gnomAD compares: Admixed American, 0.005%; no homozygotes.

Submissions (2):

Labcorp Genetics (formerly Invitae), Labcorp
Classification: Uncertain significance. Last evaluated: 2022-01-15. Review status: criteria provided, single submitter. Criteria: Invitae Variant Classification Sherloc (09022015). Collection method: clinical testing. Allele origin: germline.
Comment: This sequence change replaces valine, which is neutral and non-polar, with methionine, which is neutral and non-polar, at codon 86 of the LARS2 protein (p.Val86Met). This variant is present in population databases (rs140589843, gnomAD 0.01%). This variant has not been reported in the literature in individuals affected with LARS2-related conditions. Algorithms developed to predict the effect of missense changes on protein structure and function output the following: SIFT: "Deleterious"; PolyPhen-2: "Benign"; Align-GVGD: "Class C0". The methionine amino acid residue is found in multiple mammalian species, which suggests that this missense change does not adversely affect protein function. In summary, the available evidence is currently insufficient to determine the role of this variant in disease. Therefore, it has been classified as a Variant of Uncertain Significance.

Ambry Genetics
Classification: Uncertain significance for Inborn genetic diseases. Last evaluated: 2021-10-29. Review status: criteria provided, single submitter. Criteria: Ambry Variant Classification Scheme 2023. Collection method: clinical testing. Allele origin: germline.